The following is an entry in ClinVar:

ClinVar aggregate classification (germline): Uncertain significance (1 of 4 stars; one submission).

Conditions:
Early-infantile DEE. Also called: Ohtahara syndrome; Early infantile epileptic encephalopathy with suppression bursts; Early infantile epileptic encephalopathy. Identifiers: Orphanet 1934, MedGen C0393706, MONDO:0800491.

Submission:

Labcorp Genetics (formerly Invitae), Labcorp
Classification: Uncertain significance for Early-infantile DEE. Last evaluated: 2020-01-15. Review status: criteria provided, single submitter. Criteria: Invitae Variant Classification Sherloc (09022015). Collection method: clinical testing. Allele origin: germline.
Comment: In summary, the available evidence is currently insufficient to determine the role of this variant in disease. Therefore, it has been classified as a Variant of Uncertain Significance. Algorithms developed to predict the effect of missense changes on protein structure and function (SIFT, PolyPhen-2, Align-GVGD) all suggest that this variant is likely to be disruptive, but these predictions have not been confirmed by published functional studies and their clinical significance is uncertain. This sequence change replaces phenylalanine with serine at codon 1805 of the SCN1A protein (p.Phe1805Ser). The phenylalanine residue is highly conserved and there is a large physicochemical difference between phenylalanine and serine. This variant is not present in population databases (ExAC no frequency). This variant has not been reported in the literature in individuals with SCN1A-related conditions.

NM_001165963.4(SCN1A):c.5414T>C (p.Phe1805Ser)

Genes: SCN1A (sodium voltage-gated channel alpha subunit 1; minus strand), LOC102724058 (uncharacterized LOC102724058; plus strand). Cytogenetic location: 2q24.3.
Variant type: single nucleotide variant.
Coding change: c.5414T>C on transcript NM_001165963.4 (MANE Select); coding-DNA position 5414, T replaced by C.
Protein change: p.Phe1805Ser; replaces phenylalanine 1805 with serine.
Molecular consequence: missense variant. On other transcripts: non-coding transcript variant (1).
Genome position (GRCh38, 1-based): chr2:165,991,861, A>G on the plus strand (T>C on the coding strand, the complement: SCN1A is on the minus strand). VCF-style: chr2-165991861-A-G. GRCh37 (hg19) VCF-style: chr2-166848371-A-G.
Other names: c.5330T>C, p.Phe1777Ser (NM_001165964.3, NM_001353957.2, NM_001353958.2); c.5414T>C, p.Phe1805Ser (NM_001202435.3, NM_001353948.2); c.5381T>C, p.Phe1794Ser (NM_001353949.2, NM_001353950.2, NM_001353951.2 and 2 more transcripts); c.5378T>C, p.Phe1793Ser (NM_001353954.2, NM_001353955.2); c.5327T>C, p.Phe1776Ser (NM_001353960.2); c.2972T>C, p.Phe991Ser (NM_001353961.2); short protein forms F1777S, F1793S, F1794S, F1805S, F991S, F1776S.
Identifiers: ClinVar variation 970044 (VCV000970044.10), dbSNP rs1689222238, ClinGen allele CA349067706.
Genomic context (GRCh38, chr2:165,991,861, plus strand): 5'-AATTCCATGAACTGAGTTGCATCGGGATCAAACTTCTCCCAAACCTCATAGAACATCTCA[A>G]AGTCATCCTCACTCAGAGGCTCTGCACTTTCTTCAGTAGCAACACTGAAGTTCTCCAGGA-3'
Protein context (NP_001159435.1, residues 1795-1815): ESAEPLSEDD[Phe1805Ser]EMFYEVWEKF